The following is an entry in ClinVar:

ClinVar aggregate classification (germline): Pathogenic (1 of 4 stars; one submission).

Conditions:
Leber congenital amaurosis 2 (LCA2). Also called: Autosomal Recessive RPE65-Related Retinal Degeneration; AMAUROSIS CONGENITA OF LEBER II. Identifiers: Orphanet 65, MedGen C1859844, MONDO:0008765, OMIM 204100. Disease mechanism: loss of function.
Retinitis pigmentosa 20 (RP20). Identifiers: Orphanet 791, MedGen C3151086, MONDO:0013425, OMIM 613794.

Allele frequency attached by ClinVar (database versions not stated): TOPMed below 0.00001.

Submission:

Labcorp Genetics (formerly Invitae), Labcorp
Classification: Pathogenic for Leber congenital amaurosis 2; Retinitis pigmentosa 20. Last evaluated: 2023-08-10. Review status: criteria provided, single submitter. Criteria: Invitae Variant Classification Sherloc (09022015). Collection method: clinical testing. Allele origin: germline.
Comment: Algorithms developed to predict the effect of sequence changes on RNA splicing suggest that this variant may disrupt the consensus splice site. This sequence change creates a premature translational stop signal (p.Tyr239*) in the RPE65 gene. It is expected to result in an absent or disrupted protein product. Loss-of-function variants in RPE65 are known to be pathogenic (PMID: 9326941, 9501220, 9843205, 18632300). This variant is not present in population databases (gnomAD no frequency). This premature translational stop signal has been observed in individual(s) with inherited retinal disease (PMID: 31429209). ClinVar contains an entry for this variant (Variation ID: 2143934). For these reasons, this variant has been classified as Pathogenic.

Literature cited by the submitters: PubMed 9326941; PubMed 9501220; PubMed 9843205; PubMed 18632300; PubMed 31429209.

NM_000329.3(RPE65):c.717C>G (p.Tyr239Ter)

Gene: RPE65 (retinoid isomerohydrolase RPE65; minus strand). Cytogenetic location: 1p31.3.
Variant type: single nucleotide variant.
Coding change: c.717C>G on transcript NM_000329.3 (MANE Select); coding-DNA position 717, C replaced by G.
Protein change: p.Tyr239Ter; replaces tyrosine 239 with a stop codon.
Molecular consequence: nonsense.
Genome position (GRCh38, 1-based): chr1:68,439,569, G>C on the plus strand (C>G on the coding strand, the complement: RPE65 is on the minus strand). VCF-style: chr1-68439569-G-C. GRCh37 (hg19) VCF-style: chr1-68905252-G-C.
Other names: c.609C>G, p.Tyr203Ter (NM_001406853.1); c.441C>G, p.Tyr147Ter (NM_001406856.1, NM_001406857.1); c.717C>G, p.Tyr239Ter (NM_001406859.1); short protein forms Y239*, Y203*, Y147*.
Identifiers: ClinVar variation 2143934 (VCV002143934.4), dbSNP rs1366781286, ClinGen allele CA340745922.